The following is an entry in ClinVar:

ClinVar aggregate classification (germline): Uncertain significance (1 of 4 stars; one submission).

Conditions:
Familial cold autoinflammatory syndrome 3 (FCAS3). Also called: ANTIBODY DEFICIENCY AND IMMUNE DYSREGULATION, PLCG2-ASSOCIATED; FAMILIAL ATYPICAL COLD URTICARIA. Identifiers: Orphanet 300359, MedGen C3280914, MONDO:0013766, OMIM 614468.

Allele frequency attached by ClinVar (database versions not stated): gnomAD exomes below 0.00001.
gnomAD v4.1: 3 of 1,596,348 alleles (0.00019%); highest among the groups gnomAD compares: Non-Finnish European, 0.00026%; no homozygotes.

Submission:

Labcorp Genetics (formerly Invitae), Labcorp
Classification: Uncertain significance for Familial cold autoinflammatory syndrome 3. Last evaluated: 2020-06-09. Review status: criteria provided, single submitter. Criteria: Invitae Variant Classification Sherloc (09022015). Collection method: clinical testing. Allele origin: germline.
Comment: In summary, the available evidence is currently insufficient to determine the role of this variant in disease. Therefore, it has been classified as a Variant of Uncertain Significance. Algorithms developed to predict the effect of missense changes on protein structure and function are either unavailable or do not agree on the potential impact of this missense change (SIFT: "Deleterious"; PolyPhen-2: "Possibly Damaging"; Align-GVGD: "Class C0"). This variant has not been reported in the literature in individuals with PLCG2-related conditions. This variant is not present in population databases (ExAC no frequency). This sequence change replaces leucine with valine at codon 285 of the PLCG2 protein (p.Leu285Val). The leucine residue is highly conserved and there is a small physicochemical difference between leucine and valine.

NM_002661.5(PLCG2):c.853T>G (p.Leu285Val)

Gene: PLCG2 (phospholipase C gamma 2; plus strand). Cytogenetic location: 16q23.3.
Variant type: single nucleotide variant.
Coding change: c.853T>G on transcript NM_002661.5 (MANE Select); coding-DNA position 853, T replaced by G.
Protein change: p.Leu285Val; replaces leucine 285 with valine.
Molecular consequence: missense variant.
Genome position (GRCh38, 1-based): chr16:81,889,259, T>G. VCF-style: chr16-81889259-T-G. GRCh37 (hg19) VCF-style: chr16-81922864-T-G.
Other names: short protein forms L285V.
Identifiers: ClinVar variation 1064299 (VCV001064299.9), dbSNP rs1179653977, ClinGen allele CA396897829.